The following is an entry in ClinVar:

ClinVar aggregate classification (germline): Uncertain significance (1 of 4 stars; one submission).

Conditions:
Autosomal recessive limb-girdle muscular dystrophy type 2W (MDRCMTT). Also called: Muscular dystrophy, autosomal recessive, with cardiomyopathy and triangular tongue; Muscular dystrophy, limb-girdle, type 2W. Identifiers: MedGen C4225192, MONDO:0014788, OMIM 616827.

gnomAD v4.1: 2 of 1,614,154 alleles (0.00012%); highest among the groups gnomAD compares: East Asian, 0.0022%; no homozygotes.

Submission:

Labcorp Genetics (formerly Invitae), Labcorp
Classification: Uncertain significance for Autosomal recessive limb-girdle muscular dystrophy type 2W. Last evaluated: 2022-07-18. Review status: criteria provided, single submitter. Criteria: Invitae Variant Classification Sherloc (09022015). Collection method: clinical testing. Allele origin: germline.
Comment: In summary, the available evidence is currently insufficient to determine the role of this variant in disease. Therefore, it has been classified as a Variant of Uncertain Significance. Algorithms developed to predict the effect of missense changes on protein structure and function (SIFT, PolyPhen-2, Align-GVGD) all suggest that this variant is likely to be disruptive. ClinVar contains an entry for this variant (Variation ID: 838090). This variant has not been reported in the literature in individuals affected with LIMS2-related conditions. This variant is not present in population databases (gnomAD no frequency). This sequence change replaces cysteine, which is neutral and slightly polar, with arginine, which is basic and polar, at codon 86 of the LIMS2 protein (p.Cys86Arg).

NM_001161403.3(LIMS2):c.190T>C (p.Cys64Arg)

Gene: LIMS2 (LIM zinc finger domain containing 2; minus strand). Cytogenetic location: 2q14.3.
Variant type: single nucleotide variant.
Coding change: c.190T>C on transcript NM_001161403.3 (MANE Select); coding-DNA position 190, T replaced by C.
Protein change: p.Cys64Arg; replaces cysteine 64 with arginine.
Molecular consequence: missense variant.
Genome position (GRCh38, 1-based): chr2:127,654,878, A>G on the plus strand (T>C on the coding strand, the complement: LIMS2 is on the minus strand). VCF-style: chr2-127654878-A-G. GRCh37 (hg19) VCF-style: chr2-128412452-A-G.
Other names: c.256T>C, p.Cys86Arg (NM_001136037.4); c.175T>C, p.Cys59Arg (NM_001161404.2); c.262T>C, p.Cys88Arg (NM_017980.5); short protein forms C64R, C86R, C88R, C59R.
Identifiers: ClinVar variation 838090 (VCV000838090.10), dbSNP rs1684148003, ClinGen allele CA348431669.